The following is an entry in ClinVar:

ClinVar aggregate classification (germline): Benign/Likely benign. Review status: criteria provided, multiple submitters, no conflicts (2 of 4 stars). 4 submissions from 4 submitters: Benign (1); Likely benign (3). Last evaluated 2026-01-09.

Allele frequency attached by ClinVar (database versions not stated): gnomAD exomes 0.00004 and 0.00009; ExAC 0.00012; ESP Exome Variant Server 0.00046; gnomAD 0.00053 and 0.00058; TOPMed 0.00053.
gnomAD v4.1: 151 of 1,612,288 alleles (0.0094%); highest among the groups gnomAD compares: African/African-American, 0.18%; 1 homozygote.

Submissions (4):

Labcorp Genetics (formerly Invitae), Labcorp
Classification: Likely benign. Last evaluated: 2026-01-09. Review status: criteria provided, single submitter. Criteria: Invitae Variant Classification Sherloc (09022015). Collection method: clinical testing. Allele origin: germline.

CeGaT Center for Human Genetics Tuebingen
Classification: Likely benign. Last evaluated: 2025-11-01. Review status: criteria provided, single submitter. Criteria: CeGaT Center For Human Genetics Tuebingen Variant Classification Criteria Version 2. Collection method: clinical testing. Allele origin: germline. Affected: yes. Observed: 1 variant allele.
Comment: DMXL2: BP4, BP7

ARUP Laboratories, Molecular Genetics and Genomics, ARUP Laboratories
Classification: Benign. Last evaluated: 2024-06-06. Review status: criteria provided, single submitter. Criteria: ARUP Molecular Germline Variant Investigation Process 2024. Collection method: clinical testing. Allele origin: germline.

Blueprint Genetics
Classification: Likely benign. Last evaluated: 2022-09-07. Review status: criteria provided, single submitter. Criteria: ACMG Guidelines, 2015. Collection method: clinical testing. Allele origin: germline.

NM_001378457.1(DMXL2):c.6463C>T (p.Leu2155=)

Gene: DMXL2 (Dmx like 2; minus strand). Cytogenetic location: 15q21.2.
Variant type: single nucleotide variant.
Coding change: c.6463C>T on transcript NM_001378457.1 (MANE Select); coding-DNA position 6463, C replaced by T.
Protein change: p.Leu2155=; no amino-acid change (leucine 2155 retained).
Molecular consequence: synonymous variant. On other transcripts: non-coding transcript variant (2).
Genome position (GRCh38, 1-based): chr15:51,480,643, G>A on the plus strand (C>T on the coding strand, the complement: DMXL2 is on the minus strand). VCF-style: chr15-51480643-G-A. GRCh37 (hg19) VCF-style: chr15-51772840-G-A.
Other names: c.6463C>T, p.Leu2155= (NM_001174116.3, NM_001378458.1, NM_001378459.1 and 4 more transcripts); c.4555C>T, p.Leu1519= (NM_001174117.3); c.4444C>T, p.Leu1482= (NM_001378460.1); c.6223C>T, p.Leu2075= (NM_001378464.1).
Identifiers: ClinVar variation 1575644 (VCV001575644.16), dbSNP rs145831743, ClinGen allele CA7561627.